The following is an entry in ClinVar:

ClinVar aggregate classification (germline): Likely pathogenic. Review status: criteria provided, single submitter (1 of 4 stars). 2 submissions from 2 submitters: Likely pathogenic (1). 1 of the submissions does not count toward it. Last evaluated 2022-10-10.

Conditions:
Catecholaminergic polymorphic ventricular tachycardia 1. Also called: VENTRICULAR TACHYCARDIA, CATECHOLAMINERGIC POLYMORPHIC, 1, WITH OR WITHOUT ATRIAL DYSFUNCTION AND/OR DILATED CARDIOMYOPATHY; RYR2-Related Catecholaminergic Polymorphic Ventricular Tachycardia; VENTRICULAR TACHYCARDIA, STRESS-INDUCED POLYMORPHIC 1. Identifiers: Orphanet 3286, MedGen C1631597, MONDO:0011484, OMIM 604772.
Ventricular arrhythmias due to cardiac ryanodine receptor calcium release deficiency syndrome. Also called: Autosomal dominant cardiac arrhythmia (Kuhn). Identifiers: MedGen C5542154, MONDO:0020745, OMIM 115000.

Submissions (2):

Labcorp Genetics (formerly Invitae), Labcorp
Classification: Likely pathogenic for Catecholaminergic polymorphic ventricular tachycardia 1. Last evaluated: 2022-10-10. Review status: criteria provided, single submitter. Criteria: Invitae Variant Classification Sherloc (09022015). Collection method: clinical testing. Allele origin: germline.
Comment: This missense change has been observed in individual(s) with RYR2-related conditions (PMID: 28600387, 33536282). It has also been observed to segregate with disease in related individuals. Advanced modeling of protein sequence and biophysical properties (such as structural, functional, and spatial information, amino acid conservation, physicochemical variation, residue mobility, and thermodynamic stability) performed at Invitae indicates that this missense variant is expected to disrupt RYR2 protein function. ClinVar contains an entry for this variant (Variation ID: 1119951). Experimental studies have shown that this missense change affects RYR2 function (PMID: 33536282). This sequence change replaces threonine, which is neutral and polar, with isoleucine, which is neutral and non-polar, at codon 4196 of the RYR2 protein (p.Thr4196Ile). This variant is not present in population databases (gnomAD no frequency). In summary, the currently available evidence indicates that the variant is pathogenic, but additional data are needed to prove that conclusively. Therefore, this variant has been classified as Likely Pathogenic.

OMIM
Classification: Pathogenic for VENTRICULAR ARRHYTHMIAS DUE TO CARDIAC RYANODINE RECEPTOR CALCIUM RELEASE DEFICIENCY SYNDROME. Last evaluated: 2022-01-13. Review status: no assertion criteria provided. Collection method: literature only. Allele origin: germline. Not counted in ClinVar's aggregate classification.

Literature cited by the submitters: PubMed 28600387 (cited by Labcorp Genetics (formerly Invitae), Labcorp); PubMed 33536282 (cited by Labcorp Genetics (formerly Invitae), Labcorp and OMIM).

NM_001035.3(RYR2):c.12587C>T (p.Thr4196Ile)

Genes: RYR2 (ryanodine receptor 2; plus strand), LOC126806068 (BRD4-independent group 4 enhancer GRCh37_chr1:237947411-237948610; plus strand). Cytogenetic location: 1q43.
Variant type: single nucleotide variant.
Coding change: c.12587C>T on transcript NM_001035.3 (MANE Select); coding-DNA position 12587, C replaced by T.
Protein change: p.Thr4196Ile; replaces threonine 4196 with isoleucine.
Molecular consequence: missense variant.
Genome position (GRCh38, 1-based): chr1:237,784,299, C>T. VCF-style: chr1-237784299-C-T. GRCh37 (hg19) VCF-style: chr1-237947599-C-T.
Other names: short protein forms T4196I.
Identifiers: ClinVar variation 1119951 (VCV001119951.9), dbSNP rs2149354389, ClinGen allele CA345413692.
Genomic context (GRCh38, chr1:237,784,299, plus strand): 5'-TGGTCAACGAAGGCGGAGAGAAAGAGAAGATGGAACTCTTTGTGAACTTCTGCGAGGACA[C>T]CATCTTTGAAATGCAGCTGGCGGCTCAGATCTCGGAGTCGGACTTGAACGAGAGGTCAGC-3'
Protein context (NP_001026.2, residues 4186-4206): MELFVNFCED[Thr4196Ile]IFEMQLAAQI